The following is an entry in ClinVar:

NM_003995.4(NPR2):c.1741C>T (p.Arg581Cys)

Gene: NPR2 (natriuretic peptide receptor 2; plus strand). Cytogenetic location: 9p13.3.
Variant type: single nucleotide variant.
Coding change: c.1741C>T on transcript NM_003995.4 (MANE Select); coding-DNA position 1741, C replaced by T.
Protein change: p.Arg581Cys; replaces arginine 581 with cysteine.
Molecular consequence: missense variant.
Genome position (GRCh38, 1-based): chr9:35,802,533, C>T. VCF-style: chr9-35802533-C-T. GRCh37 (hg19) VCF-style: chr9-35802530-C-T.
Other names: c.1750C>T, p.Arg584Cys (NM_001378923.1); short protein forms R581C, R584C.
Identifiers: ClinVar variation 2933181 (VCV002933181.3), dbSNP rs374250772, ClinGen allele CA5051804.
Genomic context (GRCh38, chr9:35,802,533, plus strand): 5'-CTTATCCTTCCCATTGTTTTTTTCTGCCAGATGAGAGATGTTCAGTTCAACCATCTCACT[C>T]GCTTCATTGGCGCCTGCATAGACCCTCCCAACATTTGCATTGTCACTGAATACTGTCCTC-3'
Protein context (NP_003986.2, residues 571-591): MRDVQFNHLT[Arg581Cys]FIGACIDPPN

ClinVar aggregate classification (germline): Uncertain significance (1 of 4 stars; one submission).

Conditions:
Acromesomelic dysplasia 1, Maroteaux type (AMD1). Also called: ACROMESOMELIC DYSPLASIA 1; ST. HELENA DYSPLASIA. Identifiers: Orphanet 40, MedGen C1864356, MONDO:0011275, OMIM 602875.
Tall stature-scoliosis-macrodactyly of the great toes syndrome. Also called: Epiphyseal chondrodysplasia, miura type. Identifiers: Orphanet 329191, MedGen C4014690, MONDO:0014401, OMIM 615923.

Allele frequency attached by ClinVar (database versions not stated): gnomAD 0.00002; TOPMed 0.00003; ESP Exome Variant Server 0.00008.
gnomAD v4.1: 10 of 1,606,666 alleles (0.00062%); highest among the groups gnomAD compares: African/African-American, 0.0027%; no homozygotes.

Submission:

Labcorp Genetics (formerly Invitae), Labcorp
Classification: Uncertain significance for Tall stature-scoliosis-macrodactyly of the great toes syndrome; Acromesomelic dysplasia 1, Maroteaux type. Last evaluated: 2023-03-24. Review status: criteria provided, single submitter. Criteria: Invitae Variant Classification Sherloc (09022015). Collection method: clinical testing. Allele origin: germline.
Comment: This sequence change replaces arginine, which is basic and polar, with cysteine, which is neutral and slightly polar, at codon 581 of the NPR2 protein (p.Arg581Cys). This variant is present in population databases (rs374250772, gnomAD 0.01%). This variant has not been reported in the literature in individuals affected with NPR2-related conditions. Advanced modeling of protein sequence and biophysical properties (such as structural, functional, and spatial information, amino acid conservation, physicochemical variation, residue mobility, and thermodynamic stability) performed at Invitae indicates that this missense variant is expected to disrupt NPR2 protein function. In summary, the available evidence is currently insufficient to determine the role of this variant in disease. Therefore, it has been classified as a Variant of Uncertain Significance.